The following is an entry in ClinVar:

NM_000448.3(RAG1):c.611G>A (p.Trp204Ter)

Gene: RAG1 (recombination activating 1; plus strand). Cytogenetic location: 11p12.
Variant type: single nucleotide variant.
Coding change: c.611G>A on transcript NM_000448.3 (MANE Select); coding-DNA position 611, G replaced by A.
Protein change: p.Trp204Ter; replaces tryptophan 204 with a stop codon.
Molecular consequence: nonsense.
Genome position (GRCh38, 1-based): chr11:36,573,915, G>A. VCF-style: chr11-36573915-G-A. GRCh37 (hg19) VCF-style: chr11-36595465-G-A.
Other names: c.611G>A, p.Trp204Ter (NM_001377277.1, NM_001377278.1, NM_001377279.1 and 3 more transcripts); short protein forms W204*.
Identifiers: ClinVar variation 5019815 (VCV005019815.2).

ClinVar aggregate classification (germline): Likely pathogenic (1 of 4 stars; one submission).

Conditions:
Combined immunodeficiency due to partial RAG1 deficiency. Identifiers: Orphanet 231154, MedGen C1835931, MONDO:0012359, OMIM 609889.
Combined immunodeficiency with skin granulomas. Identifiers: Orphanet 157949, MedGen C2673536, MONDO:0009306, OMIM 233650.
Histiocytic medullary reticulosis. Also called: SEVERE COMBINED IMMUNODEFICIENCY WITH HYPEREOSINOPHILIA; Omenn syndrome. Identifiers: Orphanet 39041, MedGen C2700553, MONDO:0011338, OMIM 603554.
Severe combined immunodeficiency, autosomal recessive, T cell-negative, B cell-negative, NK cell-positive. Also called: Severe combined immunodeficiency due to complete RAG1/2 deficiency; SCID, T CELL-NEGATIVE, B CELL-NEGATIVE, NK CELL-POSITIVE; SCID, AR, T-cell negative, B-cell negative, NK cell-positive. Identifiers: Orphanet 331206, MedGen C1832322, MONDO:0011086, OMIM 601457.

Submission:

Juno Genomics, Hangzhou Juno Genomics, Inc
Classification: Likely pathogenic for Combined immunodeficiency due to partial RAG1 deficiency; Combined immunodeficiency with skin granulomas; Histiocytic medullary reticulosis; Severe combined immunodeficiency, autosomal recessive, T cell-negative, B cell-negative, NK cell-positive. Review status: criteria provided, single submitter. Criteria: ACMG Guidelines, 2015. Collection method: clinical testing. Allele origin: germline.
Comment: Absent from controls (or at extremely low frequency if recessive) in Genome Aggregation Database.;Null variant in a gene where loss of function (LOF) is a known mechanism of disease.;For recessive disorders, detected in trans with a pathogenic variant.;Patient's phenotype or family history is highly specific for a disease with a single genetic etiology.